The following is an entry in ClinVar:

ClinVar aggregate classification (germline): Likely benign (1 of 4 stars; one submission).

Submission:

CeGaT Center for Human Genetics Tuebingen
Classification: Likely benign. Last evaluated: 2026-05-01. Review status: criteria provided, single submitter. Criteria: CeGaT Center For Human Genetics Tuebingen Variant Classification Criteria Version 2. Collection method: clinical testing. Allele origin: germline. Affected: yes. Observed: 1 variant allele.
Comment: CGB1: BP4, BP7

NM_033377.2(CGB1):c.432C>G (p.Pro144=)

Gene: CGB1 (chorionic gonadotropin subunit beta 1; minus strand). Cytogenetic location: 19q13.33.
Variant type: single nucleotide variant.
Coding change: c.432C>G on transcript NM_033377.2 (MANE Select); coding-DNA position 432, C replaced by G.
Protein change: p.Pro144=; no amino-acid change (proline 144 retained).
Molecular consequence: synonymous variant.
Genome position (GRCh38, 1-based): chr19:49,035,646, G>C on the plus strand (C>G on the coding strand, the complement: CGB1 is on the minus strand). VCF-style: chr19-49035646-G-C. GRCh37 (hg19) VCF-style: chr19-49538903-G-C.
Other names: c.396C>G, p.Pro132= (NM_001382421.1).
Identifiers: ClinVar variation 4875502 (VCV004875502.2).